The following is an entry in ClinVar:

NM_032305.3(POLR3GL):c.-41-1G>A

Gene: POLR3GL (RNA polymerase III subunit GL; plus strand). Cytogenetic location: 1q21.1.
Variant type: single nucleotide variant.
Coding change: c.-41-1G>A on transcript NM_032305.3 (MANE Select); the canonical splice acceptor site of the intron before 41 bases upstream of the start codon, G replaced by A.
Molecular consequence: splice acceptor variant.
Genome position (GRCh38, 1-based): chr1:145,974,824, G>A. VCF-style: chr1-145974824-G-A. GRCh37 (hg19) VCF-style: chr1-145460264-C-T.
Other names: POLR3GL, IVS1AS, G-A, -1; IVS1, G-A, -1; c.-41-1G>A (NM_032305.2, NM_001330685.2).
Identifiers: ClinVar variation 617676 (VCV000617676.7), dbSNP rs782661984, ClinGen allele CA1054769.

ClinVar aggregate classification (germline): Pathogenic. Review status: criteria provided, single submitter (1 of 4 stars). 3 submissions from 3 submitters: Pathogenic (1). 2 of the submissions do not count toward it. Last evaluated 2023-08-21.

Conditions:
Short stature, oligodontia, dysmorphic facies, and motor delay. Identifiers: MedGen C5543206, MONDO:0030992, OMIM 619234.
POLR3GL-related disorder. Also called: POLR3GL-related condition.
Oligodontia. Identifiers: MedGen C4082304, HP:0000677.
Abnormal facial shape. Also called: Dysmorphic facies; Dysmorphic facial features. Identifiers: MedGen C0424503, HP:0001999.
Short stature. Identifiers: MedGen C0349588, HP:0004322.
Hyperostosis. Identifiers: MedGen C0020492, MONDO:0002185, HP:0100774.

Allele frequency attached by ClinVar (database versions not stated): TOPMed 0.00001; gnomAD exomes 0.00002 and 0.00004; ExAC 0.00003; gnomAD 0.00001.
gnomAD v4.1: 55 of 1,478,410 alleles (0.0037%); highest among the groups gnomAD compares: Non-Finnish European, 0.0048%; no homozygotes.

Submissions (3):

PreventionGenetics, part of Exact Sciences
Classification: Pathogenic for POLR3GL-related condition. Last evaluated: 2023-08-21. Review status: criteria provided, single submitter. Criteria: ACMG Guidelines, 2015. Collection method: clinical testing. Allele origin: germline.
Comment: The POLR3GL c.-41-1G>A variant is located in the 5' untranslated region. This variant was reported in the compound heterozygous state along with another variant affecting splicing in an individual with endosteal hyperostosis and oligodontia, with RNA studies demonstrating this variant disrupts splicing (Terhal. 2020. PubMed ID: 31089205). This variant is reported in 0.0048% of alleles in individuals of European (Non-Finnish) descent in gnomAD. This variant is interpreted as pathogenic.

OMIM
Classification: Pathogenic for SHORT STATURE, OLIGODONTIA, DYSMORPHIC FACIES, AND MOTOR DELAY. Last evaluated: 2021-03-17. Review status: no assertion criteria provided. Collection method: literature only. Allele origin: germline. Not counted in ClinVar's aggregate classification.

Genome Diagnostics Laboratory, University Medical Center Utrecht
Classification: Likely pathogenic for Hyperostosis; Oligodontia; Short stature; Abnormal facial shape. Last evaluated: 2019-01-23. Review status: no assertion criteria provided. Collection method: clinical testing. Allele origin: maternal. Inheritance: Autosomal recessive inheritance. Affected: yes. Not counted in ClinVar's aggregate classification.

Literature cited by the submitters: PubMed 31089205 (cited by OMIM).